The following is an entry in ClinVar:

NM_032816.5(CEP89):c.1233G>T (p.Glu411Asp)

Gene: CEP89 (centrosomal protein 89; minus strand). Cytogenetic location: 19q13.11.
Variant type: single nucleotide variant.
Coding change: c.1233G>T on transcript NM_032816.5 (MANE Select); coding-DNA position 1233, G replaced by T.
Protein change: p.Glu411Asp; replaces glutamic acid 411 with aspartic acid.
Molecular consequence: missense variant.
Genome position (GRCh38, 1-based): chr19:32,923,474, C>A on the plus strand (G>T on the coding strand, the complement: CEP89 is on the minus strand). VCF-style: chr19-32923474-C-A. GRCh37 (hg19) VCF-style: chr19-33414380-C-A.
Other names: short protein forms E411D.
Identifiers: ClinVar variation 3692143 (VCV003692143.2).

ClinVar aggregate classification (germline): Uncertain significance (1 of 4 stars; one submission).

gnomAD v4.1: 7 of 1,609,918 alleles (0.00043%); highest among the groups gnomAD compares: Non-Finnish European, 0.0006%; no homozygotes.

Submission:

Labcorp Genetics (formerly Invitae), Labcorp
Classification: Uncertain significance. Last evaluated: 2024-12-31. Review status: criteria provided, single submitter. Criteria: Invitae Variant Classification Sherloc (09022015). Collection method: clinical testing. Allele origin: germline.
Comment: This sequence change replaces glutamic acid, which is acidic and polar, with aspartic acid, which is acidic and polar, at codon 411 of the CEP89 protein (p.Glu411Asp). This variant is present in population databases (no rsID available, gnomAD 0.0009%). This variant has not been reported in the literature in individuals affected with CEP89-related conditions. An algorithm developed to predict the effect of missense changes on protein structure and function (PolyPhen-2) suggests that this variant is likely to be disruptive. In summary, the available evidence is currently insufficient to determine the role of this variant in disease. Therefore, it has been classified as a Variant of Uncertain Significance.